The following is an entry in ClinVar:

NM_032271.3(TRAF7):c.1111C>T (p.Arg371Trp)

Gene: TRAF7 (TNF receptor associated factor 7; plus strand). Cytogenetic location: 16p13.3.
Variant type: single nucleotide variant.
Coding change: c.1111C>T on transcript NM_032271.3 (MANE Select); coding-DNA position 1111, C replaced by T.
Protein change: p.Arg371Trp; replaces arginine 371 with tryptophan.
Molecular consequence: missense variant.
Genome position (GRCh38, 1-based): chr16:2,173,812, C>T. VCF-style: chr16-2173812-C-T. GRCh37 (hg19) VCF-style: chr16-2223813-C-T.
Other names: c.1111C>T (NM_032271.2); short protein forms R371W.
Identifiers: ClinVar variation 1380472 (VCV001380472.8), dbSNP rs1567252659, ClinGen allele CA394327528.

ClinVar aggregate classification (germline): Uncertain significance. Review status: criteria provided, multiple submitters, no conflicts (2 of 4 stars). 3 submissions from 3 submitters: Uncertain significance (3). Last evaluated 2024-03-27.

Conditions:
Cardiac, facial, and digital anomalies with developmental delay. Identifiers: Orphanet 592570, MedGen C4748484, MONDO:0032572, OMIM 618164.

Submissions (3):

Labcorp Genetics (formerly Invitae), Labcorp
Classification: Uncertain significance. Last evaluated: 2024-03-27. Review status: criteria provided, single submitter. Criteria: Invitae Variant Classification Sherloc (09022015). Collection method: clinical testing. Allele origin: germline.
Comment: This sequence change replaces arginine, which is basic and polar, with tryptophan, which is neutral and slightly polar, at codon 371 of the TRAF7 protein (p.Arg371Trp). This variant is not present in population databases (gnomAD no frequency). This variant has not been reported in the literature in individuals affected with TRAF7-related conditions. ClinVar contains an entry for this variant (Variation ID: 1380472). An algorithm developed to predict the effect of missense changes on protein structure and function (PolyPhen-2) suggests that this variant is likely to be tolerated. In summary, the available evidence is currently insufficient to determine the role of this variant in disease. Therefore, it has been classified as a Variant of Uncertain Significance.

GeneDx
Classification: Uncertain significance. Last evaluated: 2023-11-14. Review status: criteria provided, single submitter. Criteria: GeneDx Variant Classification Process June 2021. Collection method: clinical testing. Allele origin: germline. Affected: yes.
Comment: Not observed at significant frequency in large population cohorts (gnomAD); In silico analysis supports that this missense variant has a deleterious effect on protein structure/function; Has not been previously published as pathogenic or benign to our knowledge

3billion
Classification: Uncertain significance for Cardiac, facial, and digital anomalies with developmental delay. Last evaluated: 2023-06-01. Review status: criteria provided, single submitter. Criteria: ACMG Guidelines, 2015. Collection method: clinical testing. Allele origin: germline. Affected: yes.
Comment: The variant is not observed in the gnomAD v2.1.1 dataset. Predicted Consequence/Location: Missense changes are a common disease-causing mechanism. Different missense changes at the same codon (p.Arg371Gln, p.Arg371Gly) have been reported to be associated with TRAF7 related disorder (ClinVar ID: VCV000587688, VCV001707473). However, the evidence of pathogenicity is insufficient at this time. Therefore, this variant is classified as VUS according to the recommendation of ACMG/AMP guideline.